The following is an entry in ClinVar:

ClinVar aggregate classification (germline): Uncertain significance (1 of 4 stars; one submission).

Submission:

Ambry Genetics
Classification: Uncertain significance. Last evaluated: 2023-05-28. Review status: criteria provided, single submitter. Criteria: Ambry Variant Classification Scheme 2023. Collection method: clinical testing. Allele origin: germline.
Comment: The p.E1002D variant (also known as c.3006A>C), located in coding exon 26 of the PRKDC gene, results from an A to C substitution at nucleotide position 3006. The glutamic acid at codon 1002 is replaced by aspartic acid, an amino acid with highly similar properties. This amino acid position is conserved. In addition, this alteration is predicted to be tolerated by in silico analysis. Since supporting evidence is limited at this time, the clinical significance of this alteration remains unclear.

NM_006904.7(PRKDC):c.3006A>C (p.Glu1002Asp)

Gene: PRKDC (protein kinase, DNA-activated, catalytic subunit; minus strand). Cytogenetic location: 8q11.21.
Variant type: single nucleotide variant.
Coding change: c.3006A>C on transcript NM_006904.7 (MANE Select); coding-DNA position 3006, A replaced by C.
Protein change: p.Glu1002Asp; replaces glutamic acid 1002 with aspartic acid.
Molecular consequence: missense variant.
Genome position (GRCh38, 1-based): chr8:47,904,905, T>G on the plus strand (A>C on the coding strand, the complement: PRKDC is on the minus strand). VCF-style: chr8-47904905-T-G. GRCh37 (hg19) VCF-style: chr8-48817465-T-G.
Other names: c.3006A>C, p.Glu1002Asp (NM_001081640.2); short protein forms E1002D.
Identifiers: ClinVar variation 2564565 (VCV002564565.2), dbSNP rs2551875889, ClinGen allele CA371157334.